The following is an entry in ClinVar:

ClinVar aggregate classification (germline): Uncertain significance (1 of 4 stars; one submission).

Conditions:
Familial sleep-related hypermotor epilepsy. Also called: Autosomal Dominant Sleep-Related Hypermotor (Hyperkinetic) Epilepsy. Identifiers: Orphanet 98784, MedGen C3696898, MONDO:0000030.

Submission:

Labcorp Genetics (formerly Invitae), Labcorp
Classification: Uncertain significance. Last evaluated: 2025-06-19. Review status: criteria provided, single submitter. Criteria: Invitae Variant Classification Sherloc (09022015). Collection method: clinical testing. Allele origin: germline.
Comment: This sequence change replaces isoleucine, which is neutral and non-polar, with valine, which is neutral and non-polar, at codon 178 of the CHRNA2 protein (p.Ile178Val). This variant is not present in population databases (gnomAD no frequency). This variant has not been reported in the literature in individuals affected with CHRNA2-related conditions. Invitae Evidence Modeling of protein sequence and biophysical properties (such as structural, functional, and spatial information, amino acid conservation, physicochemical variation, residue mobility, and thermodynamic stability) indicates that this missense variant is not expected to disrupt CHRNA2 protein function with a negative predictive value of 80%. In summary, the available evidence is currently insufficient to determine the role of this variant in disease. Therefore, it has been classified as a Variant of Uncertain Significance.

NM_000742.4(CHRNA2):c.532A>G (p.Ile178Val)

Gene: CHRNA2 (cholinergic receptor nicotinic alpha 2 subunit; minus strand). Cytogenetic location: 8p21.2.
Variant type: single nucleotide variant.
Coding change: c.532A>G on transcript NM_000742.4 (MANE Select); coding-DNA position 532, A replaced by G.
Protein change: p.Ile178Val; replaces isoleucine 178 with valine.
Molecular consequence: missense variant. On other transcripts: intron variant (2).
Genome position (GRCh38, 1-based): chr8:27,463,911, T>C on the plus strand (A>G on the coding strand, the complement: CHRNA2 is on the minus strand). VCF-style: chr8-27463911-T-C. GRCh37 (hg19) VCF-style: chr8-27321428-T-C.
Other names: c.487A>G, p.Ile163Val (NM_001282455.2); c.55A>G, p.Ile19Val (NM_001347705.2, NM_001347706.2); c.-12-51A>G (NM_001347708.2); c.-9-54A>G (NM_001347707.2); short protein forms I163V, I19V, I178V.
Identifiers: ClinVar variation 4741744 (VCV004741744.1).